The following is an entry in ClinVar:

ClinVar aggregate classification (germline): Benign/Likely benign. Review status: criteria provided, multiple submitters, no conflicts (2 of 4 stars). 6 submissions from 6 submitters: Benign (3); Likely benign (2). 1 of the submissions does not count toward it. Last evaluated 2026-03-01.

Conditions:
FANCM-related disorder. Also called: FANCM-related condition.
Fanconi anemia (FA). Also called: Fanconi's anemia. Identifiers: Orphanet 84, MedGen C0015625, MeSH D005199, MONDO:0019391.

Allele frequency attached by ClinVar (database versions not stated): gnomAD exomes 0.00037 and 0.00100; ExAC 0.00142; gnomAD 0.00359 and 0.00382; ESP Exome Variant Server 0.00362; TOPMed 0.00402; 1000 Genomes Project 30x 0.00422; 1000 Genomes Project 0.00439.
gnomAD v4.1: 1,107 of 1,604,676 alleles (0.069%); highest among the groups gnomAD compares: African/African-American, 1.3%; 10 homozygotes.

Submissions (6):

CeGaT Center for Human Genetics Tuebingen
Classification: Likely benign. Last evaluated: 2026-03-01. Review status: criteria provided, single submitter. Criteria: CeGaT Center For Human Genetics Tuebingen Variant Classification Criteria Version 2. Collection method: clinical testing. Allele origin: germline. Affected: yes. Observed: 1 variant allele.
Comment: FANCM: BP4, BS1

Labcorp Genetics (formerly Invitae), Labcorp
Classification: Benign for Fanconi anemia. Last evaluated: 2026-01-27. Review status: criteria provided, single submitter. Criteria: Invitae Variant Classification Sherloc (09022015). Collection method: clinical testing. Allele origin: germline.

Quest Diagnostics Nichols Institute San Juan Capistrano
Classification: Benign. Last evaluated: 2025-09-18. Review status: criteria provided, single submitter. Criteria: Quest Diagnostics criteria. Collection method: clinical testing. Allele origin: unknown.

Genetic Services Laboratory, University of Chicago
Classification: Benign. Last evaluated: 2020-11-25. Review status: criteria provided, single submitter. Criteria: ACMG Guidelines, 2015. Collection method: clinical testing. Allele origin: germline. Affected: no.

GeneDx
Classification: Likely benign. Last evaluated: 2020-09-08. Review status: criteria provided, single submitter. Criteria: GeneDx Variant Classification Process June 2021. Collection method: clinical testing. Allele origin: germline. Affected: yes.

PreventionGenetics, part of Exact Sciences
Classification: Benign for FANCM-related condition. Last evaluated: 2019-06-04. Review status: no assertion criteria provided. Collection method: clinical testing. Allele origin: germline. Not counted in ClinVar's aggregate classification.
Comment: This variant is classified as benign based on ACMG/AMP sequence variant interpretation guidelines (Richards et al. 2015 PMID: 25741868, with internal and published modifications).

Literature cited by the submitters: PubMed 33471991 (cited by Quest Diagnostics Nichols Institute San Juan Capistrano); PubMed 36707629 (cited by Quest Diagnostics Nichols Institute San Juan Capistrano); PubMed 38028607 (cited by Quest Diagnostics Nichols Institute San Juan Capistrano).

NM_020937.4(FANCM):c.4563A>C (p.Glu1521Asp)

Gene: FANCM (FA complementation group M; plus strand). Cytogenetic location: 14q21.2.
Variant type: single nucleotide variant.
Coding change: c.4563A>C on transcript NM_020937.4 (MANE Select); coding-DNA position 4563, A replaced by C.
Protein change: p.Glu1521Asp; replaces glutamic acid 1521 with aspartic acid.
Molecular consequence: missense variant.
Genome position (GRCh38, 1-based): chr14:45,185,264, A>C. VCF-style: chr14-45185264-A-C. GRCh37 (hg19) VCF-style: chr14-45654467-A-C.
Other names: c.4563A>C (LRG_502t1); c.4485A>C, p.Glu1495Asp (NM_001308133.2); short protein forms E1521D, E1495D.
Identifiers: ClinVar variation 241322 (VCV000241322.26), dbSNP rs113986680, ClinGen allele CA7169792.
Genomic context (GRCh38, chr14:45,185,264, plus strand): 5'-TTGTCTTACTTAGCATGTAGCTAGGAAGTTTTTAGATGATGAAGCAGAACTTTCTGAAGA[A>C]GATGCAGAATATGTTTCATCAGATGAAAATGATGAGTCAGAAAATGAACAAGATTCCTCA-3'
Protein context (NP_065988.1, residues 1511-1531): FLDDEAELSE[Glu1521Asp]DAEYVSSDEN